The following is an entry in ClinVar:

NM_000441.2(SLC26A4):c.755C>T (p.Ser252Phe)

Gene: SLC26A4 (solute carrier family 26 member 4; plus strand). Cytogenetic location: 7q22.3.
Variant type: single nucleotide variant.
Coding change: c.755C>T on transcript NM_000441.2 (MANE Select); coding-DNA position 755, C replaced by T.
Protein change: p.Ser252Phe; replaces serine 252 with phenylalanine.
Molecular consequence: missense variant.
Genome position (GRCh38, 1-based): chr7:107,675,099, C>T. VCF-style: chr7-107675099-C-T. GRCh37 (hg19) VCF-style: chr7-107315544-C-T.
Other names: short protein forms S252F.
Identifiers: ClinVar variation 1513051 (VCV001513051.7), dbSNP rs375433525, ClinGen allele CA4432557.

ClinVar aggregate classification (germline): Conflicting classifications of pathogenicity. Review status: criteria provided, conflicting classifications (1 of 4 stars). 2 submissions from 2 submitters: Likely pathogenic (1); Uncertain significance (1). Last evaluated 2026-04-14.

Allele frequency attached by ClinVar (database versions not stated): ExAC 0.00002; TOPMed 0.00002; ESP Exome Variant Server 0.00008; gnomAD exomes below 0.00001 and 0.00001.
gnomAD v4.1: 2 of 1,613,428 alleles (0.00012%); highest among the groups gnomAD compares: African/African-American, 0.0027%; no homozygotes.

Submissions (2):

Women's Health and Genetics/Laboratory Corporation of America, LabCorp
Classification: Uncertain significance. Last evaluated: 2026-04-14. Review status: criteria provided, single submitter. Criteria: LabCorp Variant Classification Summary - May 2015. Collection method: clinical testing. Allele origin: germline.
Comment: Variant summary: SLC26A4 c.755C>T (p.Ser252Phe) results in a non-conservative amino acid change in the encoded protein sequence. Algorithms developed to predict the effect of missense changes on protein structure and function all suggest that this variant is likely to be disruptive. The variant allele was found at a frequency of 8e-06 in 251286 control chromosomes (gnomAD). The available data on variant occurrences in the general population are insufficient to allow any conclusion about variant significance. To our knowledge, no occurrence of c.755C>T in individuals affected with SLC26A4-related conditions and no experimental evidence demonstrating its impact on protein function have been reported. A different missense variant affecting the same amino acid (c.754T>C, p.Ser252Pro) has been classified as pathogenic. ClinVar contains an entry for this variant (Variation ID: 1513051). Based on the evidence outlined above, the variant was classified as uncertain significance.

Labcorp Genetics (formerly Invitae), Labcorp
Classification: Likely pathogenic. Last evaluated: 2025-07-22. Review status: criteria provided, single submitter. Criteria: Invitae Variant Classification Sherloc (09022015). Collection method: clinical testing. Allele origin: germline.
Comment: This sequence change replaces serine, which is neutral and polar, with phenylalanine, which is neutral and non-polar, at codon 252 of the SLC26A4 protein (p.Ser252Phe). This variant is present in population databases (rs375433525, gnomAD 0.01%). This variant has not been reported in the literature in individuals affected with SLC26A4-related conditions. ClinVar contains an entry for this variant (Variation ID: 1513051). Invitae Evidence Modeling of protein sequence and biophysical properties (such as structural, functional, and spatial information, amino acid conservation, physicochemical variation, residue mobility, and thermodynamic stability) indicates that this missense variant is expected to disrupt SLC26A4 protein function with a positive predictive value of 95%. This variant disrupts the p.Ser252 amino acid residue in SLC26A4. Other variant(s) that disrupt this residue have been determined to be pathogenic (PMID: 21961810, 22796198, 23918157, 24612839). This suggests that this residue is clinically significant, and that variants that disrupt this residue are likely to be disease-causing. In summary, the currently available evidence indicates that the variant is pathogenic, but additional data are needed to prove that conclusively. Therefore, this variant has been classified as Likely Pathogenic.

Literature cited by the submitters: PubMed 21961810 (cited by Labcorp Genetics (formerly Invitae), Labcorp); PubMed 22796198 (cited by Labcorp Genetics (formerly Invitae), Labcorp); PubMed 23918157 (cited by Labcorp Genetics (formerly Invitae), Labcorp); PubMed 24612839 (cited by Labcorp Genetics (formerly Invitae), Labcorp).